The following is an entry in ClinVar:

ClinVar aggregate classification (germline): Uncertain significance (1 of 4 stars; one submission).

Conditions:
Inborn genetic diseases. Identifiers: MedGen C0950123, MeSH D030342.

gnomAD v4.1: 5 of 1,614,016 alleles (0.00031%); highest among the groups gnomAD compares: Non-Finnish European, 0.00042%; no homozygotes.

Submission:

Ambry Genetics
Classification: Uncertain significance for Inborn genetic diseases. Last evaluated: 2025-05-25. Review status: criteria provided, single submitter. Criteria: Ambry Variant Classification Scheme 2023. Collection method: clinical testing. Allele origin: germline.
Comment: The p.G538E variant (also known as c.1613G>A), located in coding exon 17 of the FANCA gene, results from a G to A substitution at nucleotide position 1613. The glycine at codon 538 is replaced by glutamic acid, an amino acid with similar properties. This amino acid position is conserved. In addition, this alteration is predicted to be tolerated by in silico analysis. Based on the available evidence, the clinical significance of this variant remains unclear.

NM_000135.4(FANCA):c.1613G>A (p.Gly538Glu)

Gene: FANCA (FA complementation group A; minus strand). Cytogenetic location: 16q24.3.
Variant type: single nucleotide variant.
Coding change: c.1613G>A on transcript NM_000135.4 (MANE Select); coding-DNA position 1613, G replaced by A.
Protein change: p.Gly538Glu; replaces glycine 538 with glutamic acid.
Molecular consequence: missense variant.
Genome position (GRCh38, 1-based): chr16:89,782,872, C>T on the plus strand (G>A on the coding strand, the complement: FANCA is on the minus strand). VCF-style: chr16-89782872-C-T. GRCh37 (hg19) VCF-style: chr16-89849280-C-T.
Other names: c.1613G>A, p.Gly538Glu (NM_001286167.3); short protein forms G538E.
Identifiers: ClinVar variation 4022313 (VCV004022313.1).